The following is an entry in ClinVar:

NM_005159.5(ACTC1):c.889G>T (p.Ala297Ser)

Genes: ACTC1 (actin alpha cardiac muscle 1; minus strand), GJD2-DT (GJD2 divergent transcript; plus strand). Cytogenetic location: 15q14.
Variant type: single nucleotide variant.
Coding change: c.889G>T on transcript NM_005159.5 (MANE Select); coding-DNA position 889, G replaced by T.
Protein change: p.Ala297Ser; replaces alanine 297 with serine.
Molecular consequence: missense variant.
Genome position (GRCh38, 1-based): chr15:34,791,215, C>A on the plus strand (G>T on the coding strand, the complement: ACTC1 is on the minus strand). VCF-style: chr15-34791215-C-A. GRCh37 (hg19) VCF-style: chr15-35083416-C-A.
Other names: A295S; c.889G>T, p.Ala297Ser (LRG_388t1); short protein forms A297S.
Identifiers: ClinVar variation 18325 (VCV000018325.11), dbSNP rs121912675, ClinGen allele CA019982.

ClinVar aggregate classification (germline): Pathogenic. Review status: criteria provided, multiple submitters, no conflicts (2 of 4 stars). 3 submissions from 3 submitters: Pathogenic (2). 1 of the submissions does not count toward it. Last evaluated 2025-01-06.

Conditions:
ACTC1-related disorder. Also called: ACTC1-related condition.
Dilated cardiomyopathy 1R (CMD1R). Identifiers: Orphanet 154, Orphanet 54260, MedGen C3150681, MONDO:0013261, OMIM 613424.
Atrial septal defect 5 (ASD5). Identifiers: Orphanet 1478, MedGen C2748552, MONDO:0013011, OMIM 612794.
Hypertrophic cardiomyopathy 11. Also called: ACTC1-Related Familial Hypertrophic Cardiomyopathy. Identifiers: MedGen C2677506, MONDO:0012799, OMIM 612098.

Submissions (3):

Labcorp Genetics (formerly Invitae), Labcorp
Classification: Pathogenic for Dilated cardiomyopathy 1R; Hypertrophic cardiomyopathy 11; Atrial septal defect 5. Last evaluated: 2025-01-06. Review status: criteria provided, single submitter. Criteria: Invitae Variant Classification Sherloc (09022015). Collection method: clinical testing. Allele origin: germline.
Comment: This sequence change replaces alanine, which is neutral and non-polar, with serine, which is neutral and polar, at codon 297 of the ACTC1 protein (p.Ala297Ser). This variant is not present in population databases (gnomAD no frequency). This missense change has been observed in individual(s) with hypertrophic cardiomyopathy (PMID: 10330430, 28771489). It has also been observed to segregate with disease in related individuals. This variant is also known as c.253G>T (p.Ala295Ser). ClinVar contains an entry for this variant (Variation ID: 18325). Invitae Evidence Modeling of protein sequence and biophysical properties (such as structural, functional, and spatial information, amino acid conservation, physicochemical variation, residue mobility, and thermodynamic stability) indicates that this missense variant is not expected to disrupt ACTC1 protein function with a negative predictive value of 80%. For these reasons, this variant has been classified as Pathogenic.

Blueprint Genetics
Classification: Pathogenic for ACTC1-related disorders. Last evaluated: 2023-03-07. Review status: criteria provided, single submitter. Criteria: ACMG Guidelines, 2015. Collection method: clinical testing. Allele origin: germline. Affected: yes. Observed: 2 variant alleles.

OMIM
Classification: Pathogenic for CARDIOMYOPATHY, FAMILIAL HYPERTROPHIC, 11. Last evaluated: 1999-05-15. Review status: no assertion criteria provided. Collection method: literature only. Allele origin: germline. Not counted in ClinVar's aggregate classification.

Literature cited by the submitters: PubMed 10330430 (cited by Labcorp Genetics (formerly Invitae), Labcorp and OMIM); PubMed 28771489 (cited by Labcorp Genetics (formerly Invitae), Labcorp).